The following is an entry in ClinVar:

NM_000071.3(CBS):c.426T>G (p.Ile142Met)

Gene: CBS (cystathionine beta-synthase; minus strand). Cytogenetic location: 21q22.3.
Variant type: single nucleotide variant.
Coding change: c.426T>G on transcript NM_000071.3 (MANE Select); coding-DNA position 426, T replaced by G.
Protein change: p.Ile142Met; replaces isoleucine 142 with methionine.
Molecular consequence: missense variant.
Genome position (GRCh38, 1-based): chr21:43,066,268, A>C on the plus strand (T>G on the coding strand, the complement: CBS is on the minus strand). VCF-style: chr21-43066268-A-C. GRCh37 (hg19) VCF-style: chr21-44486378-A-C.
Other names: c.426T>G, p.Ile142Met (NM_001178008.3, NM_001178009.3, NM_001320298.2); c.111T>G, p.Ile37Met (NM_001321072.1); short protein forms I142M, I37M.
Identifiers: ClinVar variation 1739255 (VCV001739255.7), dbSNP rs2517452978, ClinGen allele CA410601691.
Genomic context (GRCh38, chr21:43,066,268, plus strand): 5'-CAGCCCTGGCCACCCCCTCTGGGCCTGGCACCCACCGGTGTTCCCGGATGTCGGCTCGAT[A>C]ATCGTGTCCCCGGGCTTCAGCGTCCCGTCGCGCTCAGCATCCTCAATCATCCGCAGGCTG-3'
Protein context (NP_000062.1, residues 132-152): RDGTLKPGDT[Ile142Met]IEPTSGNTGI

ClinVar aggregate classification (germline): Uncertain significance. Review status: criteria provided, multiple submitters, no conflicts (2 of 4 stars). 2 submissions from 2 submitters: Uncertain significance (2). Last evaluated 2022-04-09.

Conditions:
HYPERHOMOCYSTEINEMIA, THROMBOTIC, CBS-RELATED. Identifiers: MedGen C3150344, OMIM 236200.
Familial thoracic aortic aneurysm and aortic dissection (TAAD). Also called: Thoracic aortic aneurysms and dissections. Identifiers: Orphanet 91387, MedGen C4707243, MONDO:0019625.

Submissions (2):

Labcorp Genetics (formerly Invitae), Labcorp
Classification: Uncertain significance for HYPERHOMOCYSTEINEMIA, THROMBOTIC, CBS-RELATED. Last evaluated: 2022-04-09. Review status: criteria provided, single submitter. Criteria: Invitae Variant Classification Sherloc (09022015). Collection method: clinical testing. Allele origin: germline.
Comment: Algorithms developed to predict the effect of missense changes on protein structure and function are either unavailable or do not agree on the potential impact of this missense change (SIFT: "Deleterious"; PolyPhen-2: "Probably Damaging"; Align-GVGD: "Class C0"). In summary, the available evidence is currently insufficient to determine the role of this variant in disease. Therefore, it has been classified as a Variant of Uncertain Significance. This sequence change replaces isoleucine, which is neutral and non-polar, with methionine, which is neutral and non-polar, at codon 142 of the CBS protein (p.Ile142Met). This variant is not present in population databases (gnomAD no frequency). This variant has not been reported in the literature in individuals affected with CBS-related conditions.

Ambry Genetics
Classification: Uncertain significance for Familial thoracic aortic aneurysm and aortic dissection. Last evaluated: 2022-03-11. Review status: criteria provided, single submitter. Criteria: Ambry Variant Classification Scheme 2023. Collection method: clinical testing. Allele origin: germline.
Comment: The p.I142M variant (also known as c.426T>G), located in coding exon 3 of the CBS gene, results from a T to G substitution at nucleotide position 426. The isoleucine at codon 142 is replaced by methionine, an amino acid with highly similar properties. This amino acid position is conserved. In addition, this alteration is predicted to be deleterious by in silico analysis. Since supporting evidence is limited at this time, the clinical significance of this alteration remains unclear.